The following is an entry in ClinVar:

NM_201253.3(CRB1):c.1655del (p.Gln551_Ser552insTer)

Gene: CRB1 (crumbs cell polarity complex component 1; plus strand). Cytogenetic location: 1q31.3.
Variant type: Deletion.
Coding change: c.1655del on transcript NM_201253.3 (MANE Select); coding-DNA position 1655, one base deleted (C; older notation c.1655delC).
Protein change: p.Gln551_Ser552insTer.
Molecular consequence: nonsense. On other transcripts: non-coding transcript variant (2).
Genome position (GRCh38, 1-based): chr1:197,421,483, C deleted. VCF-style (leftmost placement, unchanged base first): chr1-197421482-TC-T. GRCh37 (hg19) VCF-style: chr1-197390612-TC-T.
Other names: c.1319del, p.Gln439_Ser440insTer (NM_001193640.2); c.1448del, p.Gln482_Ser483insTer (NM_001257965.2); c.1655del, p.Gln551_Ser552insTer (NM_001257966.2).
Identifiers: ClinVar variation 2631804 (VCV002631804.4), dbSNP rs2528108972, ClinGen allele CA2695199945.

ClinVar aggregate classification (germline): Pathogenic/Likely pathogenic. Review status: criteria provided, multiple submitters, no conflicts (2 of 4 stars). 2 submissions from 2 submitters: Pathogenic (1); Likely pathogenic (1). Last evaluated 2023-07-22.

Conditions:
Retinitis pigmentosa 12 (RP12). Also called: RP WITH OR WITHOUT PRESERVED PARAARTERIOLE RETINAL PIGMENT EPITHELIUM; RETINITIS PIGMENTOSA WITH OR WITHOUT PARAARTERIOLAR PRESERVATION OF RETINAL PIGMENT EPITHELIUM; RP WITH OR WITHOUT PPRPE. Identifiers: Orphanet 791, MedGen C1838647, MONDO:0010818, OMIM 600105.
Leber congenital amaurosis 8 (LCA8). Identifiers: Orphanet 65, MedGen C3151202, MONDO:0013453, OMIM 613835.
CRB1-related disorder. Also called: CRB1-related condition; CRB1-related disorders.

Submissions (2):

PreventionGenetics, part of Exact Sciences
Classification: Likely pathogenic for CRB1-related condition. Last evaluated: 2023-07-22. Review status: criteria provided, single submitter. Criteria: ACMG Guidelines, 2015. Collection method: clinical testing. Allele origin: germline.
Comment: The CRB1 c.1655delC variant is predicted to result in premature protein termination (p.Ser552*). To our knowledge, this variant has not been reported in the literature or in a large population database, indicating this variant is rare. Nonsense variants in CRB1 are expected to be pathogenic. This variant is interpreted as likely pathogenic.

Labcorp Genetics (formerly Invitae), Labcorp
Classification: Pathogenic for Leber congenital amaurosis 8; Retinitis pigmentosa 12. Last evaluated: 2023-03-17. Review status: criteria provided, single submitter. Criteria: Invitae Variant Classification Sherloc (09022015). Collection method: clinical testing. Allele origin: germline.
Comment: For these reasons, this variant has been classified as Pathogenic. This variant has not been reported in the literature in individuals affected with CRB1-related conditions. This variant is not present in population databases (gnomAD no frequency). This sequence change creates a premature translational stop signal (p.Ser552*) in the CRB1 gene. It is expected to result in an absent or disrupted protein product. Loss-of-function variants in CRB1 are known to be pathogenic (PMID: 10508521, 22065545, 23379534, 25412400, 26957898, 28041643, 29391521).

Literature cited by the submitters: PubMed 10508521 (cited by Labcorp Genetics (formerly Invitae), Labcorp); PubMed 22065545 (cited by Labcorp Genetics (formerly Invitae), Labcorp); PubMed 23379534 (cited by Labcorp Genetics (formerly Invitae), Labcorp); PubMed 25412400 (cited by Labcorp Genetics (formerly Invitae), Labcorp); PubMed 26957898 (cited by Labcorp Genetics (formerly Invitae), Labcorp); PubMed 28041643 (cited by Labcorp Genetics (formerly Invitae), Labcorp); PubMed 29391521 (cited by Labcorp Genetics (formerly Invitae), Labcorp).